The following is an entry in ClinVar:

ClinVar aggregate classification (germline): Uncertain significance (1 of 4 stars; one submission).

Conditions:
Adenylosuccinate lyase deficiency (ADSLD). Also called: ADSL DEFICIENCY. Identifiers: Orphanet 46, MedGen C0268126, MONDO:0007068, OMIM 103050.

Submission:

Labcorp Genetics (formerly Invitae), Labcorp
Classification: Uncertain significance for Adenylosuccinate lyase deficiency. Last evaluated: 2026-01-08. Review status: criteria provided, single submitter. Criteria: Invitae Variant Classification Sherloc (09022015). Collection method: clinical testing. Allele origin: germline.
Comment: This sequence change replaces histidine, which is basic and polar, with proline, which is neutral and non-polar, at codon 86 of the ADSL protein (p.His86Pro). This variant is not present in population databases (gnomAD no frequency). This variant has not been reported in the literature in individuals affected with ADSL-related conditions. Invitae Evidence Modeling of protein sequence and biophysical properties (such as structural, functional, and spatial information, amino acid conservation, physicochemical variation, residue mobility, and thermodynamic stability) indicates that this missense variant is expected to disrupt ADSL protein function with a positive predictive value of 80%. In summary, the available evidence is currently insufficient to determine the role of this variant in disease. Therefore, it has been classified as a Variant of Uncertain Significance.

NM_000026.4(ADSL):c.257A>C (p.His86Pro)

Gene: ADSL (adenylosuccinate lyase; plus strand). Cytogenetic location: 22q13.1.
Variant type: single nucleotide variant.
Coding change: c.257A>C on transcript NM_000026.4 (MANE Select); coding-DNA position 257, A replaced by C.
Protein change: p.His86Pro; replaces histidine 86 with proline.
Molecular consequence: missense variant. On other transcripts: non-coding transcript variant (1).
Genome position (GRCh38, 1-based): chr22:40,349,935, A>C. VCF-style: chr22-40349935-A-C. GRCh37 (hg19) VCF-style: chr22-40745939-A-C.
Other names: c.257A>C, p.His86Pro (NM_001123378.3, NM_001363840.3, NM_001410812.1 and 2 more transcripts); c.65A>C, p.His22Pro (NM_001317923.2); short protein forms H86P, H22P.
Identifiers: ClinVar variation 4744321 (VCV004744321.1).
Genomic context (GRCh38, chr22:40,349,935, plus strand): 5'-AATCAAACCTGGAGAACATCGACTTCAAGATGGCAGCTGAGGAAGAGAAACGTTTACGAC[A>C]TGATGTGATGGCTCACGTGCACACATTTGGCCACTGCTGTCCAAAAGCTGCAGGCATTAT-3'
Protein context (NP_000017.1, residues 76-96): MAAEEEKRLR[His86Pro]DVMAHVHTFG